The following is an entry in ClinVar:

NM_000321.3(RB1):c.2019C>G (p.His673Gln)

Gene: RB1 (RB transcriptional corepressor 1; plus strand). Cytogenetic location: 13q14.2.
Variant type: single nucleotide variant.
Coding change: c.2019C>G on transcript NM_000321.3 (MANE Select); coding-DNA position 2019, C replaced by G.
Protein change: p.His673Gln; replaces histidine 673 with glutamine.
Molecular consequence: missense variant.
Genome position (GRCh38, 1-based): chr13:48,459,746, C>G. VCF-style: chr13-48459746-C-G. GRCh37 (hg19) VCF-style: chr13-49033882-C-G.
Other names: short protein forms H673Q.
Identifiers: ClinVar variation 940863 (VCV000940863.10), dbSNP rs1949384169, ClinGen allele CA388166776.

ClinVar aggregate classification (germline): Uncertain significance. Review status: criteria provided, multiple submitters, no conflicts (2 of 4 stars). 2 submissions from 2 submitters: Uncertain significance (2). Last evaluated 2025-02-16.

Conditions:
Hereditary cancer-predisposing syndrome. Also called: Hereditary neoplastic syndrome; Neoplastic Syndromes, Hereditary; Tumor predisposition; Hereditary Cancer Syndrome. Identifiers: Orphanet 140162, MedGen C0027672, MeSH D009386, MONDO:0015356.
Retinoblastoma (RB1). Also called: RETINOBLASTOMA, SOMATIC. Identifiers: Orphanet 790, MedGen C0035335, MeSH D012175, MONDO:0008380, OMIM 180200, HP:0009919. Disease mechanism: loss of function. Inheritance: Both sporadic and heritable forms are tested..

Submissions (2):

Ambry Genetics
Classification: Uncertain significance for Hereditary cancer-predisposing syndrome. Last evaluated: 2025-02-16. Review status: criteria provided, single submitter. Criteria: Ambry Variant Classification Scheme 2023. Collection method: clinical testing. Allele origin: germline.
Comment: The p.H673Q variant (also known as c.2019C>G), located in coding exon 20 of the RB1 gene, results from a C to G substitution at nucleotide position 2019. The histidine at codon 673 is replaced by glutamine, an amino acid with highly similar properties. This amino acid position is conserved. In addition, the in silico prediction for this alteration is inconclusive. Based on the available evidence, the clinical significance of this variant remains unclear.

Labcorp Genetics (formerly Invitae), Labcorp
Classification: Uncertain significance for Retinoblastoma. Last evaluated: 2019-11-09. Review status: criteria provided, single submitter. Criteria: Invitae Variant Classification Sherloc (09022015). Collection method: clinical testing. Allele origin: germline.
Comment: In summary, the available evidence is currently insufficient to determine the role of this variant in disease. Therefore, it has been classified as a Variant of Uncertain Significance. This sequence change replaces histidine with glutamine at codon 673 of the RB1 protein (p.His673Gln). The histidine residue is highly conserved and there is a small physicochemical difference between histidine and glutamine. This variant is not present in population databases (ExAC no frequency). This variant has not been reported in the literature in individuals with RB1-related conditions. Algorithms developed to predict the effect of missense changes on protein structure and function are either unavailable or do not agree on the potential impact of this missense change (SIFT: "Deleterious"; PolyPhen-2: "Probably Damaging"; Align-GVGD: "Class C15"). Algorithms developed to predict the effect of sequence changes on RNA splicing suggest that this variant may create or strengthen a splice site, but this prediction has not been confirmed by published transcriptional studies.